The following is an entry in ClinVar:

ClinVar aggregate classification (germline): Pathogenic (1 of 4 stars; one submission).

Conditions:
Familial adenomatous polyposis 1 (FAP1). Also called: POLYPOSIS, ADENOMATOUS INTESTINAL; FAMILIAL ADENOMATOUS POLYPOSIS 1, ATTENUATED. Identifiers: MedGen C2713442, MONDO:0021056, OMIM 175100. Disease mechanism: loss of function.

Submission:

Myriad Genetics, Inc.
Classification: Pathogenic for Familial adenomatous polyposis 1. Last evaluated: 2023-05-08. Review status: criteria provided, single submitter. Criteria: Myriad Autosomal Dominant, Autosomal Recessive and X-Linked Classification Criteria (2023). Collection method: clinical testing. Allele origin: unknown.
Comment: This variant is considered pathogenic. This variant creates a termination codon and is predicted to result in premature protein truncation.

NM_000038.6(APC):c.3249_3250insTA (p.Asp1084Ter)

Gene: APC (APC regulator of Wnt signaling pathway; plus strand). Cytogenetic location: 5q22.2.
Variant type: Insertion.
Coding change: c.3249_3250insTA on transcript NM_000038.6 (MANE Select); coding-DNA positions 3249 to 3250, TA inserted.
Protein change: p.Asp1084Ter; replaces aspartic acid 1084 with a stop codon.
Molecular consequence: nonsense. On other transcripts: non-coding transcript variant (2).
Genome position: GRCh38 VCF-style: chr5-112838843-T-TTA. GRCh37 (hg19) VCF-style: chr5-112174540-T-TTA.
Other names: c.2946_2947insTA, p.Asp983Ter (NM_001407458.1, NM_001407459.1, NM_001407460.1 and 1 more transcripts); c.2862_2863insTA, p.Asp955Ter (NM_001407467.1, NM_001407469.1); c.2400_2401insTA, p.Asp801Ter (NM_001407470.1, NM_001354906.2); c.2097_2098insTA, p.Asp700Ter (NM_001407471.1, NM_001407472.1); c.3249_3250insTA, p.Asp1084Ter (NM_001127510.3, NM_001354895.2, NM_001407450.1); c.3195_3196insTA, p.Asp1066Ter (NM_001127511.3); c.3303_3304insTA, p.Asp1102Ter (NM_001354896.2, NM_001407447.1, NM_001407448.1 and 1 more transcripts); c.3279_3280insTA, p.Asp1094Ter (NM_001354897.2); and 11 more; short protein forms D1001*, D1025*, D1043*, D1056*, D1059*, D1066*, D1074*, D1077*.
Identifiers: ClinVar variation 2583658 (VCV002583658.1), dbSNP rs2533483456, ClinGen allele CA2582341498.